The following is an entry in ClinVar:

ClinVar aggregate classification (germline): Uncertain significance (1 of 4 stars; one submission).

Conditions:
DICER1-related tumor predisposition. Also called: DICER1 syndrome; DICER1-related pleuropulmonary blastoma cancer predisposition syndrome. Identifiers: Orphanet 284343, MedGen C3839822, MONDO:0100216.

Submission:

Labcorp Genetics (formerly Invitae), Labcorp
Classification: Uncertain significance for DICER1-related tumor predisposition. Last evaluated: 2024-05-02. Review status: criteria provided, single submitter. Criteria: Invitae Variant Classification Sherloc (09022015). Collection method: clinical testing. Allele origin: germline.
Comment: This sequence change replaces asparagine, which is neutral and polar, with threonine, which is neutral and polar, at codon 984 of the DICER1 protein (p.Asn984Thr). The frequency data for this variant in the population databases is considered unreliable, as metrics indicate poor data quality at this position in the gnomAD database. This variant has not been reported in the literature in individuals affected with DICER1-related conditions. Advanced modeling of protein sequence and biophysical properties (such as structural, functional, and spatial information, amino acid conservation, physicochemical variation, residue mobility, and thermodynamic stability) performed at Invitae indicates that this missense variant is not expected to disrupt DICER1 protein function with a negative predictive value of 80%. In summary, the available evidence is currently insufficient to determine the role of this variant in disease. Therefore, it has been classified as a Variant of Uncertain Significance.

NM_177438.3(DICER1):c.2951A>C (p.Asn984Thr)

Gene: DICER1 (dicer 1, ribonuclease III; minus strand). Cytogenetic location: 14q32.13.
Variant type: single nucleotide variant.
Coding change: c.2951A>C on transcript NM_177438.3 (MANE Select); coding-DNA position 2951, A replaced by C.
Protein change: p.Asn984Thr; replaces asparagine 984 with threonine.
Molecular consequence: missense variant. On other transcripts: non-coding transcript variant (6).
Genome position (GRCh38, 1-based): chr14:95,106,077, T>G on the plus strand (A>C on the coding strand, the complement: DICER1 is on the minus strand). VCF-style: chr14-95106077-T-G. GRCh37 (hg19) VCF-style: chr14-95572414-T-G.
Other names: c.2951A>C, p.Asn984Thr (NM_001195573.1, NM_001271282.3, NM_001291628.2 and 12 more transcripts); c.2669A>C, p.Asn890Thr (NM_001395686.1); c.2546A>C, p.Asn849Thr (NM_001395687.1, NM_001395688.1, NM_001395689.1 and 2 more transcripts); c.2384A>C, p.Asn795Thr (NM_001395691.1); c.1268A>C, p.Asn423Thr (NM_001395697.1); short protein forms N423T, N984T, N849T, N795T, N890T.
Identifiers: ClinVar variation 3652042 (VCV003652042.2).